The following is an entry in ClinVar:

NM_001458.5(FLNC):c.5813C>T (p.Pro1938Leu)

Genes: FLNC (filamin C; plus strand), FLNC-AS1 (FLNC antisense RNA 1; minus strand). Cytogenetic location: 7q32.1.
Variant type: single nucleotide variant.
Coding change: c.5813C>T on transcript NM_001458.5 (MANE Select); coding-DNA position 5813, C replaced by T.
Protein change: p.Pro1938Leu; replaces proline 1938 with leucine.
Molecular consequence: missense variant.
Genome position (GRCh38, 1-based): chr7:128,851,599, C>T. VCF-style: chr7-128851599-C-T. GRCh37 (hg19) VCF-style: chr7-128491653-C-T.
Other names: c.5714C>T, p.Pro1905Leu (NM_001127487.2); short protein forms P1938L, P1905L.
Identifiers: ClinVar variation 539338 (VCV000539338.9), dbSNP rs764747370, ClinGen allele CA369208563.
Genomic context (GRCh38, chr7:128,851,599, plus strand): 5'-ATCTGCCGACTGCGCCTGGAGACTACAGCATCATCGTGCGCTTCGATGACAAGCACATCC[C>T]GGGGAGCCCCTTCACAGCCAAGATCACAGGTGAGGCGGGTGTATGGGCATGTACAGCCCA-3'
Protein context (NP_001449.3, residues 1928-1948): IIVRFDDKHI[Pro1938Leu]GSPFTAKITG

ClinVar aggregate classification (germline): Uncertain significance. Review status: criteria provided, multiple submitters, no conflicts (2 of 4 stars). 2 submissions from 2 submitters: Uncertain significance (2). Last evaluated 2025-02-24.

Conditions:
Myofibrillar myopathy 5. Also called: Filaminopathy (type); FILAMINOPATHY, AUTOSOMAL DOMINANT. Identifiers: Orphanet 171445, MedGen C1836050, MONDO:0012289, OMIM 609524.
Distal myopathy with posterior leg and anterior hand involvement. Also called: WILLIAMS DISTAL MYOPATHY. Identifiers: Orphanet 63273, MedGen C3279722, MONDO:0013550, OMIM 614065.
Hypertrophic cardiomyopathy 26. Also called: Cardiomyopathy, familial hypertrophic, 26. Identifiers: Orphanet 75249, MedGen C4310749, MONDO:0014883, OMIM 617047.

gnomAD v4.1: 14 of 1,613,950 alleles (0.00087%); highest among the groups gnomAD compares: South Asian, 0.0033%; no homozygotes.

Submissions (2):

Labcorp Genetics (formerly Invitae), Labcorp
Classification: Uncertain significance for Distal myopathy with posterior leg and anterior hand involvement; Myofibrillar myopathy 5; Hypertrophic cardiomyopathy 26. Last evaluated: 2025-02-24. Review status: criteria provided, single submitter. Criteria: Invitae Variant Classification Sherloc (09022015). Collection method: clinical testing. Allele origin: germline.
Comment: This sequence change replaces proline, which is neutral and non-polar, with leucine, which is neutral and non-polar, at codon 1938 of the FLNC protein (p.Pro1938Leu). This variant is present in population databases (no rsID available, gnomAD 0.003%). This variant has not been reported in the literature in individuals affected with FLNC-related conditions. ClinVar contains an entry for this variant (Variation ID: 539338). Invitae Evidence Modeling of protein sequence and biophysical properties (such as structural, functional, and spatial information, amino acid conservation, physicochemical variation, residue mobility, and thermodynamic stability) has been performed for this missense variant. However, the output from this modeling did not meet the statistical confidence thresholds required to predict the impact of this variant on FLNC protein function. In summary, the available evidence is currently insufficient to determine the role of this variant in disease. Therefore, it has been classified as a Variant of Uncertain Significance.

Blueprint Genetics
Classification: Uncertain significance. Last evaluated: 2024-10-16. Review status: criteria provided, single submitter. Criteria: ACMG Guidelines, 2015. Collection method: clinical testing. Allele origin: germline.